The following is an entry in ClinVar:

NM_005458.8(GABBR2):c.2360G>A (p.Arg787His)

Gene: GABBR2 (gamma-aminobutyric acid type B receptor subunit 2; minus strand). Cytogenetic location: 9q22.33.
Variant type: single nucleotide variant.
Coding change: c.2360G>A on transcript NM_005458.8 (MANE Select); coding-DNA position 2360, G replaced by A.
Protein change: p.Arg787His; replaces arginine 787 with histidine.
Molecular consequence: missense variant.
Genome position (GRCh38, 1-based): chr9:98,303,293, C>T on the plus strand (G>A on the coding strand, the complement: GABBR2 is on the minus strand). VCF-style: chr9-98303293-C-T. GRCh37 (hg19) VCF-style: chr9-101065575-C-T.
Other names: short protein forms R787H.
Identifiers: ClinVar variation 1369304 (VCV001369304.9), dbSNP rs578253809, ClinGen allele CA5152483.

ClinVar aggregate classification (germline): Uncertain significance. Review status: criteria provided, multiple submitters, no conflicts (2 of 4 stars). 3 submissions from 3 submitters: Uncertain significance (3). Last evaluated 2023-05-26.

Conditions:
Epileptic encephalopathy. Identifiers: MedGen C0543888, HP:0200134.
Developmental and epileptic encephalopathy, 59. Also called: Early infantile epileptic encephalopathy 59. Identifiers: MedGen C4693550, MONDO:0033368, OMIM 617904.

Allele frequency attached by ClinVar (database versions not stated): gnomAD 0.00001; ExAC 0.00002; 1000 Genomes Project 30x 0.00016; 1000 Genomes Project 0.00020.
gnomAD v4.1: 8 of 1,614,154 alleles (0.0005%); highest among the groups gnomAD compares: South Asian, 0.0022%; no homozygotes.

Submissions (3):

Blueprint Genetics
Classification: Uncertain significance. Last evaluated: 2023-05-26. Review status: criteria provided, single submitter. Criteria: ACMG Guidelines, 2015. Collection method: clinical testing. Allele origin: germline.

Labcorp Genetics (formerly Invitae), Labcorp
Classification: Uncertain significance for Epileptic encephalopathy. Last evaluated: 2021-06-08. Review status: criteria provided, single submitter. Criteria: Invitae Variant Classification Sherloc (09022015). Collection method: clinical testing. Allele origin: germline.
Comment: In summary, the available evidence is currently insufficient to determine the role of this variant in disease. Therefore, it has been classified as a Variant of Uncertain Significance. Algorithms developed to predict the effect of missense changes on protein structure and function (SIFT, PolyPhen-2, Align-GVGD) all suggest that this variant is likely to be disruptive, but these predictions have not been confirmed by published functional studies and their clinical significance is uncertain. This variant has not been reported in the literature in individuals with GABBR2-related conditions. This variant is present in population databases (rs578253809, ExAC 0.01%). This sequence change replaces arginine with histidine at codon 787 of the GABBR2 protein (p.Arg787His). The arginine residue is highly conserved and there is a small physicochemical difference between arginine and histidine.

Neuberg Centre For Genomic Medicine, NCGM
Classification: Uncertain significance for Developmental and epileptic encephalopathy, 59. Review status: criteria provided, single submitter. Criteria: ACMG Guidelines, 2015. Collection method: clinical testing. Allele origin: germline. Inheritance: Autosomal dominant inheritance. Affected: yes.
Comment: The missense c.2360G>A(p.Arg787His) variant in GABBR2 gene has not been reported previously as a pathogenic variant nor a benign variant, to our knowledge. The p.Arg787His variant is novel (not in any individuals) in gnomAD Exomes database. This variant has been reported to the ClinVar database as Uncertain Significance. The amino acid change p.Arg787His in GABBR2 is predicted as conserved by GERP++ and PhyloP across 100 vertebrates. The amino acid Arg at position 787 is changed to a His changing protein sequence and it might alter its composition and physico-chemical properties. For these reasons, this variant has been classified as a Variant of Uncertain Significance (VUS).